The following is an entry in ClinVar:

ClinVar aggregate classification (germline): Likely pathogenic (1 of 4 stars; one submission).

Conditions:
Developmental and epileptic encephalopathy, 23 (DEE23). Also called: Epileptic encephalopathy, early infantile, 23. Identifiers: Orphanet 411986, MedGen C4014492, MONDO:0014371, OMIM 615859.

Submission:

Women's Health and Genetics/Laboratory Corporation of America, LabCorp
Classification: Likely pathogenic for Developmental and epileptic encephalopathy, 23. Last evaluated: 2025-10-08. Review status: criteria provided, single submitter. Criteria: LabCorp Variant Classification Summary - May 2015. Collection method: clinical testing. Allele origin: germline.
Comment: Variant summary: DOCK7 c.2112+1G>T is located in a canonical splice-site and is predicted to affect mRNA splicing resulting in a significantly altered protein due to either exon skipping, shortening, or inclusion of intronic material. Variants that disrupt the consensus splice site are a relatively common cause of aberrant splicing and loss of DOCK7 function. Several computational tools predict a significant impact on normal splicing: Four predict the variant abolishes a 5' splicing donor site. However, these predictions have yet to be confirmed by functional studies. The variant was absent in 239174 control chromosomes. To our knowledge, no occurrence of c.2112+1G>T in individuals affected with DOCK7-related conditions and no experimental evidence demonstrating its impact on protein function have been reported. No submitters have cited clinical-significance assessments for this variant to ClinVar. Based on the evidence outlined above, the variant was classified as likely pathogenic.

NM_001367561.1(DOCK7):c.2112+1G>T

Gene: DOCK7 (dedicator of cytokinesis 7; minus strand). Cytogenetic location: 1p31.3.
Variant type: single nucleotide variant.
Coding change: c.2112+1G>T on transcript NM_001367561.1 (MANE Select); the canonical splice donor site of the intron after coding-DNA position 2112, G replaced by T.
Molecular consequence: splice donor variant.
Genome position (GRCh38, 1-based): chr1:62,577,261, C>A on the plus strand (G>T on the coding strand, the complement: DOCK7 is on the minus strand). VCF-style: chr1-62577261-C-A. GRCh37 (hg19) VCF-style: chr1-63042932-C-A.
Other names: c.2112+1G>T (NM_001272001.2, NM_001272000.2, NM_033407.4 and 2 more transcripts).
Identifiers: ClinVar variation 4687444 (VCV004687444.1).